The following is an entry in ClinVar:

ClinVar aggregate classification (germline): Pathogenic (1 of 4 stars; one submission).

Conditions:
RYR1-related disorder. Also called: RYR1-related condition; RYR1-related disorders. Identifiers: MedGen CN239331.

Allele frequency attached by ClinVar (database versions not stated): TOPMed 0.00003.

Submission:

Labcorp Genetics (formerly Invitae), Labcorp
Classification: Pathogenic for RYR1-related disorder. Last evaluated: 2023-06-04. Review status: criteria provided, single submitter. Criteria: Invitae Variant Classification Sherloc (09022015). Collection method: clinical testing. Allele origin: germline.
Comment: This variant has not been reported in the literature in individuals affected with RYR1-related conditions. This variant is not present in population databases (gnomAD no frequency). This sequence change creates a premature translational stop signal (p.Cys1268Alafs*4) in the RYR1 gene. It is expected to result in an absent or disrupted protein product. Loss-of-function variants in RYR1 are known to be pathogenic (PMID: 23919265, 25960145, 28818389, 30611313). For these reasons, this variant has been classified as Pathogenic.

Literature cited by the submitters: PubMed 23919265; PubMed 25960145; PubMed 28818389; PubMed 30611313.

NM_000540.3(RYR1):c.3802del (p.Cys1268fs)

Gene: RYR1 (ryanodine receptor 1; plus strand). Cytogenetic location: 19q13.2.
Variant type: Deletion.
Coding change: c.3802del on transcript NM_000540.3 (MANE Select); coding-DNA position 3802, one base deleted (T; older notation c.3802delT).
Protein change: p.Cys1268fs; shifts the reading frame from cysteine 1268.
Molecular consequence: frameshift variant.
Genome position (GRCh38, 1-based): chr19:38,473,413, T deleted. VCF-style (leftmost placement, unchanged base first): chr19-38473412-CT-C. GRCh37 (hg19) VCF-style: chr19-38964052-CT-C.
Other names: c.3802del, p.Cys1268fs (NM_001042723.2); short protein forms C1268fs.
Identifiers: ClinVar variation 2955997 (VCV002955997.3), dbSNP rs1305848585, ClinGen allele CA882053832.